The following is an entry in ClinVar:

NM_001481.3(DRC4):c.887del (p.Gln296fs)

Gene: DRC4 (dynein regulatory complex subunit 4; plus strand). Cytogenetic location: 16q24.3.
Variant type: Deletion.
Coding change: c.887del on transcript NM_001481.3 (MANE Select); coding-DNA position 887, one base deleted (A; older notation c.887delA).
Protein change: p.Gln296fs; shifts the reading frame from glutamine 296.
Molecular consequence: frameshift variant.
Genome position (GRCh38, 1-based): chr16:90,037,362, A deleted. VCF-style (leftmost placement, unchanged base first): chr16-90037361-CA-C. GRCh37 (hg19) VCF-style: chr16-90103769-CA-C.
Other names: c.638del, p.Gln213fs (NM_001286205.2); c.311del, p.Gln104fs (NM_001286208.2); c.812del, p.Gln271fs (NM_001286209.2); short protein forms Q104fs, Q296fs, Q213fs, Q271fs.
Identifiers: ClinVar variation 2201812 (VCV002201812.1), dbSNP rs909318705, ClinGen allele CA286660603.

ClinVar aggregate classification (germline): Pathogenic (1 of 4 stars; one submission).

Conditions:
Primary ciliary dyskinesia 33. Also called: CILIARY DYSKINESIA, PRIMARY, 33, WITHOUT SITUS INVERSUS. Identifiers: Orphanet 244, MedGen C4225230, MONDO:0014750, OMIM 616726.

Allele frequency attached by ClinVar (database versions not stated): gnomAD 0.00001; gnomAD exomes 0.00001; TOPMed 0.00002; ESP Exome Variant Server 0.00008.

Submission:

Labcorp Genetics (formerly Invitae), Labcorp
Classification: Pathogenic for Primary ciliary dyskinesia 33. Last evaluated: 2022-05-16. Review status: criteria provided, single submitter. Criteria: Invitae Variant Classification Sherloc (09022015). Collection method: clinical testing. Allele origin: germline.
Comment: This sequence change creates a premature translational stop signal (p.Gln296Argfs*19) in the GAS8 gene. It is expected to result in an absent or disrupted protein product. Loss-of-function variants in GAS8 are known to be pathogenic (PMID: 26387594). This variant is present in population databases (no rsID available, gnomAD 0.003%). This variant has not been reported in the literature in individuals affected with GAS8-related conditions. For these reasons, this variant has been classified as Pathogenic.

Literature cited by the submitters: PubMed 26387594.